The following is an entry in ClinVar:

NM_133510.4(RAD51B):c.174G>C (p.Arg58Ser)

Gene: RAD51B (RAD51 paralog B; plus strand). Cytogenetic location: 14q24.1.
Variant type: single nucleotide variant.
Coding change: c.174G>C on transcript NM_133510.4 (MANE Select); coding-DNA position 174, G replaced by C.
Protein change: p.Arg58Ser; replaces arginine 58 with serine.
Molecular consequence: missense variant. On other transcripts: 5 prime UTR variant (1).
Genome position (GRCh38, 1-based): chr14:67,825,553, G>C. VCF-style: chr14-67825553-G-C. GRCh37 (hg19) VCF-style: chr14-68292270-G-C.
Other names: c.174G>C, p.Arg58Ser (NM_001321809.2, NM_001321810.2, NM_001321812.1 and 6 more transcripts); c.60G>C, p.Arg20Ser (NM_001321815.1); c.-282G>C (NM_001321817.2); short protein forms R58S, R20S.
Identifiers: ClinVar variation 4575289 (VCV004575289.1).

ClinVar aggregate classification (germline): Uncertain significance (1 of 4 stars; one submission).

gnomAD v4.1: 1 of 1,610,162 alleles (0.000062%); highest among the groups gnomAD compares: Non-Finnish European, 0.000085%; no homozygotes.

Submission:

Ambry Genetics
Classification: Uncertain significance. Last evaluated: 2025-10-09. Review status: criteria provided, single submitter. Criteria: Ambry Variant Classification Scheme 2023. Collection method: clinical testing. Allele origin: germline.
Comment: The p.R58S variant (also known as c.174G>C), located in coding exon 2 of the RAD51B gene, results from a G to C substitution at nucleotide position 174. The arginine at codon 58 is replaced by serine, an amino acid with dissimilar properties. This amino acid position is conserved. In addition, this alteration is predicted to be tolerated by in silico analysis. Based on the available evidence, the clinical significance of this variant remains unclear.